The following is an entry in ClinVar:

ClinVar aggregate classification (germline): Likely pathogenic. Review status: criteria provided, multiple submitters, no conflicts (2 of 4 stars). 2 submissions from 2 submitters: Likely pathogenic (2). Last evaluated 2023-08-24.

Conditions:
MEGF8-related Carpenter syndrome. Also called: Carpenter syndrome 2. Identifiers: Orphanet 65759, MedGen C3554247, MONDO:0013998, OMIM 614976.

gnomAD v4.1: 8 of 1,587,040 alleles (0.0005%); highest among the groups gnomAD compares: South Asian, 0.0092%; no homozygotes.

Submissions (2):

Revvity Omics, Revvity
Classification: Likely pathogenic for MEGF8-related Carpenter syndrome. Last evaluated: 2023-08-24. Review status: criteria provided, single submitter. Criteria: ACMG Guidelines, 2015. Collection method: clinical testing. Allele origin: germline.

Juno Genomics, Hangzhou Juno Genomics, Inc
Classification: Likely pathogenic for MEGF8-related Carpenter syndrome. Review status: criteria provided, single submitter. Criteria: ACMG Guidelines, 2015. Collection method: clinical testing. Allele origin: germline.
Comment: Null variant in a gene where loss of function (LOF) is a known mechanism of disease.;Absent from controls (or at extremely low frequency if recessive) in Genome Aggregation Database.

NM_001271938.2(MEGF8):c.4830+2T>C

Gene: MEGF8 (multiple EGF like domains 8; plus strand). Cytogenetic location: 19q13.2.
Variant type: single nucleotide variant.
Coding change: c.4830+2T>C on transcript NM_001271938.2 (MANE Select); the canonical splice donor site of the intron after coding-DNA position 4830, T replaced by C.
Molecular consequence: splice donor variant.
Genome position (GRCh38, 1-based): chr19:42,356,983, T>C. VCF-style: chr19-42356983-T-C. GRCh37 (hg19) VCF-style: chr19-42861135-T-C.
Other names: c.4629+2T>C (NM_001410.3).
Identifiers: ClinVar variation 4081511 (VCV004081511.4).
Genomic context (GRCh38, chr19:42,356,983, plus strand): 5'-GCGTCACCCGTGATTTCTGGGTCCTCAACCTCACCACCCTGCAATGGCGGCAGGAGAAGG[T>C]GAGCATCTCTCCCCAGCCCACTCCCCAGCCCTCACACTGGGCCCTGACAGAGACAGCTGT-3'